The following is an entry in ClinVar:

NM_138694.4(PKHD1):c.4403T>C (p.Leu1468Pro)

Gene: PKHD1 (PKHD1 ciliary IPT domain containing fibrocystin/polyductin; minus strand). Cytogenetic location: 6p12.2.
Variant type: single nucleotide variant.
Coding change: c.4403T>C on transcript NM_138694.4 (MANE Select); coding-DNA position 4403, T replaced by C.
Protein change: p.Leu1468Pro; replaces leucine 1468 with proline.
Molecular consequence: missense variant.
Genome position (GRCh38, 1-based): chr6:52,025,407, A>G on the plus strand (T>C on the coding strand, the complement: PKHD1 is on the minus strand). VCF-style: chr6-52025407-A-G. GRCh37 (hg19) VCF-style: chr6-51890205-A-G.
Other names: c.4403T>C, p.Leu1468Pro (NM_170724.3); c.4403T>C (NM_138694.3); short protein forms L1468P.
Identifiers: ClinVar variation 1357230 (VCV001357230.10), dbSNP rs140331370, ClinGen allele CA138946954.

ClinVar aggregate classification (germline): Uncertain significance. Review status: criteria provided, multiple submitters, no conflicts (2 of 4 stars). 3 submissions from 3 submitters: Uncertain significance (2). 1 of the submissions does not count toward it. Last evaluated 2024-04-19.

Conditions:
Polycystic kidney disease 4 (PKD4). Also called: POLYCYSTIC KIDNEY AND HEPATIC DISEASE 1; POLYCYSTIC KIDNEY DISEASE, INFANTILE, TYPE I; PKD3; POLYCYSTIC KIDNEY DISEASE 4 WITH OR WITHOUT POLYCYSTIC LIVER DISEASE; Autosomal Recessive Polycystic Kidney Disease – PKHD1. Identifiers: MedGen C4540575, MONDO:0033004, OMIM 263200.
Autosomal recessive polycystic kidney disease (ARPKD). Also called: AR polycystic kidney disease. Identifiers: Orphanet 731, Orphanet 8378, MedGen C0085548, MeSH D017044, MONDO:0009889.

Allele frequency attached by ClinVar (database versions not stated): gnomAD exomes below 0.00001; gnomAD 0.00001; TOPMed 0.00002; ESP Exome Variant Server 0.00008.
gnomAD v4.1: 4 of 1,610,338 alleles (0.00025%); highest among the groups gnomAD compares: Non-Finnish European, 0.00034%; no homozygotes.

Submissions (3):

Fulgent Genetics
Classification: Uncertain significance for Polycystic kidney disease 4. Last evaluated: 2024-04-19. Review status: criteria provided, single submitter. Criteria: ACMG Guidelines, 2015. Collection method: clinical testing. Allele origin: germline.

Labcorp Genetics (formerly Invitae), Labcorp
Classification: Uncertain significance for Autosomal recessive polycystic kidney disease. Last evaluated: 2021-02-15. Review status: criteria provided, single submitter. Criteria: Invitae Variant Classification Sherloc (09022015). Collection method: clinical testing. Allele origin: germline.
Comment: In summary, the available evidence is currently insufficient to determine the role of this variant in disease. Therefore, it has been classified as a Variant of Uncertain Significance. Advanced modeling of protein sequence and biophysical properties (such as structural, functional, and spatial information, amino acid conservation, physicochemical variation, residue mobility, and thermodynamic stability) performed at Invitae indicates that this missense variant is expected to disrupt PKHD1 protein function. This variant has not been reported in the literature in individuals with PKHD1-related conditions. This variant is not present in population databases (ExAC no frequency). This sequence change replaces leucine with proline at codon 1468 of the PKHD1 protein (p.Leu1468Pro). The leucine residue is moderately conserved and there is a moderate physicochemical difference between leucine and proline.

Natera, Inc.
Classification: Likely pathogenic for Autosomal recessive polycystic kidney disease. Last evaluated: 2025-03-25. Review status: no assertion criteria provided. Collection method: clinical testing. Allele origin: germline. Not counted in ClinVar's aggregate classification.